The following is an entry in ClinVar:

ClinVar aggregate classification (germline): Pathogenic/Likely pathogenic. Review status: criteria provided, multiple submitters, no conflicts (2 of 4 stars). 4 submissions from 4 submitters: Pathogenic (2); Likely pathogenic (1). 1 of the submissions does not count toward it. Last evaluated 2025-12-23.

Conditions:
ADAMTS13-related disorder. Also called: ADAMTS13-related condition.
Upshaw-Schulman syndrome (TTP). Also called: Congenital thrombotic thrombocytopenic purpura; THROMBOTIC THROMBOCYTOPENIC PURPURA, HEREDITARY. Identifiers: Orphanet 93583, MedGen C1268935, MONDO:0010122, OMIM 274150.

Allele frequency attached by ClinVar (database versions not stated): gnomAD exomes below 0.00001 and 0.00001; ExAC 0.00001; gnomAD 0.00002; TOPMed 0.00002.
gnomAD v4.1: 11 of 1,613,556 alleles (0.00068%); highest among the groups gnomAD compares: East Asian, 0.0067%; no homozygotes.

Submissions (4):

Labcorp Genetics (formerly Invitae), Labcorp
Classification: Pathogenic. Last evaluated: 2025-12-23. Review status: criteria provided, single submitter. Criteria: Invitae Variant Classification Sherloc (09022015). Collection method: clinical testing. Allele origin: germline.
Comment: This sequence change replaces arginine, which is basic and polar, with cysteine, which is neutral and slightly polar, at codon 692 of the ADAMTS13 protein (p.Arg692Cys). This variant is present in population databases (rs121908475, gnomAD 0.01%). This missense change has been observed in individuals with thrombotic thrombocytopenic purpura (PMID: 11586351, 24433405, 30046676, 30792199). It has also been observed to segregate with disease in related individuals. ClinVar contains an entry for this variant (Variation ID: 5809). Invitae Evidence Modeling of protein sequence and biophysical properties (such as structural, functional, and spatial information, amino acid conservation, physicochemical variation, residue mobility, and thermodynamic stability) indicates that this missense variant is expected to disrupt ADAMTS13 protein function with a positive predictive value of 80%. For these reasons, this variant has been classified as Pathogenic.

PreventionGenetics, part of Exact Sciences
Classification: Likely pathogenic for ADAMTS13-related condition. Last evaluated: 2025-07-09. Review status: criteria provided, single submitter. Criteria: ACMG Guidelines, 2015. Collection method: clinical testing. Allele origin: germline.
Comment: The ADAMTS13 c.2074C>T variant is predicted to result in the amino acid substitution p.Arg692Cys. This variant has been reported in the homozygous and compound heterozygous states in multiple individuals with thrombotic thrombocytopenic purpura (see for example, Levy et al. 2001. PubMed ID: 11586351; Snider et al. 2004. PubMed ID: 15551280; Chen et al. 2023. PubMed ID: 37726021). A functional study using patient-derived plasma suggests this variant affects protein activity (Chen et al. 2023. PubMed ID: 37726021). This variant is reported in 0.010% of alleles in individuals of East Asian descent in gnomAD. This variant is interpreted as likely pathogenic.

Fulgent Genetics
Classification: Pathogenic for Upshaw-Schulman syndrome. Last evaluated: 2024-06-03. Review status: criteria provided, single submitter. Criteria: ACMG Guidelines, 2015. Collection method: clinical testing. Allele origin: germline.

OMIM
Classification: Pathogenic for THROMBOTIC THROMBOCYTOPENIC PURPURA, HEREDITARY. Last evaluated: 2001-10-04. Review status: no assertion criteria provided. Collection method: literature only. Allele origin: germline. Not counted in ClinVar's aggregate classification.

Literature cited by the submitters: PubMed 11586351 (cited by Labcorp Genetics (formerly Invitae), Labcorp and OMIM); PubMed 24433405 (cited by Labcorp Genetics (formerly Invitae), Labcorp); PubMed 30046676 (cited by Labcorp Genetics (formerly Invitae), Labcorp); PubMed 30792199 (cited by Labcorp Genetics (formerly Invitae), Labcorp).

NM_139027.6(ADAMTS13):c.2074C>T (p.Arg692Cys)

Gene: ADAMTS13 (ADAM metallopeptidase with thrombospondin type 1 motif 13; plus strand). Cytogenetic location: 9q34.2.
Variant type: single nucleotide variant.
Coding change: c.2074C>T on transcript NM_139027.6 (MANE Select); coding-DNA position 2074, C replaced by T.
Protein change: p.Arg692Cys; replaces arginine 692 with cysteine.
Molecular consequence: missense variant.
Genome position (GRCh38, 1-based): chr9:133,442,504, C>T. VCF-style: chr9-133442504-C-T. GRCh37 (hg19) VCF-style: chr9-136307625-C-T.
Other names: c.2074C>T, p.Arg692Cys (NM_139025.5); c.1981C>T, p.Arg661Cys (NM_139026.6); c.2074C>T (NM_139025.4); short protein forms R692C, R661C.
Identifiers: ClinVar variation 5809 (VCV000005809.9), dbSNP rs121908475, ClinGen allele CA117769.